The following is an entry in ClinVar:

ClinVar aggregate classification (germline): Likely benign (0 of 4 stars; one submission).

Conditions:
MYH8-related disorder. Also called: MYH8-related condition.

Allele frequency attached by ClinVar (database versions not stated): ExAC 0.00001; gnomAD exomes 0.00001; gnomAD 0.00005; TOPMed 0.00011; 1000 Genomes Project 30x 0.00016; 1000 Genomes Project 0.00020.
gnomAD v4.1: 24 of 1,613,898 alleles (0.0015%); highest among the groups gnomAD compares: African/African-American, 0.021%; no homozygotes.

Submission:

PreventionGenetics, part of Exact Sciences
Classification: Likely benign for MYH8-related condition. Last evaluated: 2020-02-20. Review status: no assertion criteria provided. Collection method: clinical testing. Allele origin: germline.
Comment: This variant is classified as likely benign based on ACMG/AMP sequence variant interpretation guidelines (Richards et al. 2015 PMID: 25741868, with internal and published modifications).

NM_002472.3(MYH8):c.417C>T (p.Pro139=)

Genes: MYH8 (myosin heavy chain 8; minus strand), MYHAS (myosin heavy chain gene cluster antisense RNA; plus strand). Cytogenetic location: 17p13.1.
Variant type: single nucleotide variant.
Coding change: c.417C>T on transcript NM_002472.3 (MANE Select); coding-DNA position 417, C replaced by T.
Protein change: p.Pro139=; no amino-acid change (proline 139 retained).
Molecular consequence: synonymous variant.
Genome position (GRCh38, 1-based): chr17:10,418,739, G>A on the plus strand (C>T on the coding strand, the complement: MYH8 is on the minus strand). VCF-style: chr17-10418739-G-A. GRCh37 (hg19) VCF-style: chr17-10322056-G-A.
Identifiers: ClinVar variation 3051541 (VCV003051541.2), dbSNP rs531526832, ClinGen allele CA8388379.